The following is an entry in ClinVar:

ClinVar aggregate classification (germline): Pathogenic (1 of 4 stars; one submission).

gnomAD v4.1: 2 of 1,614,074 alleles (0.00012%); highest among the groups gnomAD compares: Non-Finnish European, 0.00017%; no homozygotes.

Submission:

Labcorp Genetics (formerly Invitae), Labcorp
Classification: Pathogenic. Last evaluated: 2023-03-26. Review status: criteria provided, single submitter. Criteria: Invitae Variant Classification Sherloc (09022015). Collection method: clinical testing. Allele origin: germline.
Comment: This sequence change affects a donor splice site in intron 12 of the ATP6V1B1 gene. It is expected to disrupt RNA splicing. Variants that disrupt the donor or acceptor splice site typically lead to a loss of protein function (PMID: 16199547), and loss-of-function variants in ATP6V1B1 are known to be pathogenic (PMID: 9916796, 18368028). Algorithms developed to predict the effect of sequence changes on RNA splicing suggest that this variant may disrupt the consensus splice site. For these reasons, this variant has been classified as Pathogenic. ClinVar contains an entry for this variant (Variation ID: 2084596). Disruption of this splice site has been observed in individual(s) with ATP6V1B1-related conditions (PMID: 18798332). It has also been observed to segregate with disease in related individuals. This variant is not present in population databases (gnomAD no frequency).

Literature cited by the submitters: PubMed 16199547; PubMed 9916796; PubMed 18368028; PubMed 18798332.

NM_001692.4(ATP6V1B1):c.1248+1G>A

Gene: ATP6V1B1 (ATPase H+ transporting V1 subunit B1; plus strand). Cytogenetic location: 2p13.3.
Variant type: single nucleotide variant.
Coding change: c.1248+1G>A on transcript NM_001692.4 (MANE Select); the canonical splice donor site of the intron after coding-DNA position 1248, G replaced by A.
Molecular consequence: splice donor variant.
Genome position (GRCh38, 1-based): chr2:70,964,543, G>A. VCF-style: chr2-70964543-G-A. GRCh37 (hg19) VCF-style: chr2-71191673-G-A.
Identifiers: ClinVar variation 2084596 (VCV002084596.4), dbSNP rs1553420702, ClinGen allele CA347187877.